The following is an entry in ClinVar:

ClinVar aggregate classification (germline): Uncertain significance (1 of 4 stars; one submission).

Submission:

Labcorp Genetics (formerly Invitae), Labcorp
Classification: Uncertain significance. Last evaluated: 2022-08-06. Review status: criteria provided, single submitter. Criteria: Invitae Variant Classification Sherloc (09022015). Collection method: clinical testing. Allele origin: germline.
Comment: In summary, the available evidence is currently insufficient to determine the role of this variant in disease. Therefore, it has been classified as a Variant of Uncertain Significance. Algorithms developed to predict the effect of missense changes on protein structure and function are either unavailable or do not agree on the potential impact of this missense change (SIFT: "Deleterious"; PolyPhen-2: "Benign"; Align-GVGD: "Class C0"). This variant has not been reported in the literature in individuals affected with EYS-related conditions. This variant is not present in population databases (gnomAD no frequency). This sequence change replaces glutamine, which is neutral and polar, with proline, which is neutral and non-polar, at codon 2721 of the EYS protein (p.Gln2721Pro).

NM_001142800.2(EYS):c.8162A>C (p.Gln2721Pro)

Gene: EYS (EGF-like photoreceptor maintenance factor; minus strand). Cytogenetic location: 6q12.
Variant type: single nucleotide variant.
Coding change: c.8162A>C on transcript NM_001142800.2 (MANE Select); coding-DNA position 8162, A replaced by C.
Protein change: p.Gln2721Pro; replaces glutamine 2721 with proline.
Molecular consequence: missense variant.
Genome position (GRCh38, 1-based): chr6:63,726,590, T>G on the plus strand (A>C on the coding strand, the complement: EYS is on the minus strand). VCF-style: chr6-63726590-T-G. GRCh37 (hg19) VCF-style: chr6-64436483-T-G.
Other names: c.8225A>C, p.Gln2742Pro (NM_001292009.2); short protein forms Q2721P, Q2742P.
Identifiers: ClinVar variation 1715394 (VCV001715394.5), dbSNP rs2533412950, ClinGen allele CA364386046.